The following is an entry in ClinVar:

ClinVar aggregate classification (germline): Benign (1 of 4 stars; one submission).

Allele frequency attached by ClinVar (database versions not stated): gnomAD exomes 0.08881; gnomAD 0.16337 and 0.16696; TOPMed 0.18059; 1000 Genomes Project 0.19848; 1000 Genomes Project 30x 0.20753.
gnomAD v4.1: 26,184 of 168,174 alleles (16%); highest among the groups gnomAD compares: African/African-American, 34%; 3,185 homozygotes.

Submission:

GeneDx
Classification: Benign. Last evaluated: 2018-06-19. Review status: criteria provided, single submitter. Criteria: GeneDx Variant Classification (06012015). Collection method: clinical testing. Allele origin: germline. Affected: yes.
Comment: This variant is considered likely benign or benign based on one or more of the following criteria: it is a conservative change, it occurs at a poorly conserved position in the protein, it is predicted to be benign by multiple in silico algorithms, and/or has population frequency not consistent with disease.

NM_012434.5(SLC17A5):c.819+289A>T

Gene: SLC17A5 (solute carrier family 17 member 5; minus strand). Cytogenetic location: 6q13.
Variant type: single nucleotide variant.
Coding change: c.819+289A>T on transcript NM_012434.5 (MANE Select); 289 bases into the intron after coding-DNA position 819, A replaced by T.
Molecular consequence: intron variant.
Genome position (GRCh38, 1-based): chr6:73,635,093, T>A on the plus strand (A>T on the coding strand, the complement: SLC17A5 is on the minus strand). VCF-style: chr6-73635093-T-A. GRCh37 (hg19) VCF-style: chr6-74344816-T-A.
Identifiers: ClinVar variation 672084 (VCV000672084.1), dbSNP rs635750, ClinGen allele CA140971737.
Genomic context (GRCh38, chr6:73,635,093, plus strand): 5'-AAAAAATGAAAGAACTGAAATTCTTCAGACAATACTTTGTTCATATTTATGTATTTAAAA[T>A]TTTTTTTTAAATATTTTAAATGTTTTGTAGAGAAAGGGTCTCACTATGTTGACTAGGCTA-3'